The following is an entry in ClinVar:

NM_001308093.3(GATA4):c.976C>G (p.Leu326Val)

Gene: GATA4 (GATA binding protein 4). Cytogenetic location: 8p23.1.
Variant type: single nucleotide variant.
Coding change: c.976C>G on transcript NM_001308093.3 (MANE Select); coding-DNA position 976, C replaced by G.
Protein change: p.Leu326Val; replaces leucine 326 with valine.
Molecular consequence: missense variant.
Genome position (GRCh38, 1-based): chr8:11,755,109, C>G. VCF-style: chr8-11755109-C-G. GRCh37 (hg19) VCF-style: chr8-11612618-C-G.
Other names: c.355C>G, p.Leu119Val (NM_001308094.2, NM_001374273.1); c.229C>G, p.Leu77Val (NM_001374274.1); c.973C>G, p.Leu325Val (NM_002052.5); short protein forms L119V, L325V, L326V, L77V.
Identifiers: ClinVar variation 1447132 (VCV001447132.6), dbSNP rs775993607, ClinGen allele CA4630769.
Genomic context (GRCh38, chr8:11,755,109, plus strand): 5'-CCCAGGCCTCTTGCAATGCGGAAAGAGGGGATCCAAACCAGAAAACGGAAGCCCAAGAAC[C>G]TGAATAAATCTAAGACACCAGCAGGTGAGGAAAAGATCTGTGAGTGATTATATGAGTACA-3'
Protein context (NP_001295022.1, residues 316-336): IQTRKRKPKN[Leu326Val]NKSKTPAAPS

ClinVar aggregate classification (germline): Uncertain significance (1 of 4 stars; one submission).

Conditions:
Atrioventricular septal defect 4 (AVSD4). Identifiers: MedGen C3280781, MONDO:0013747, OMIM 614430.

Allele frequency attached by ClinVar (database versions not stated): TOPMed below 0.00001; gnomAD 0.00001; gnomAD exomes 0.00003; ExAC 0.00005.
gnomAD v4.1: 49 of 1,613,922 alleles (0.003%); highest among the groups gnomAD compares: Non-Finnish European, 0.0034%; no homozygotes.

Submission:

Labcorp Genetics (formerly Invitae), Labcorp
Classification: Uncertain significance for Atrioventricular septal defect 4. Last evaluated: 2023-12-20. Review status: criteria provided, single submitter. Criteria: Invitae Variant Classification Sherloc (09022015). Collection method: clinical testing. Allele origin: germline.
Comment: This sequence change replaces leucine, which is neutral and non-polar, with valine, which is neutral and non-polar, at codon 325 of the GATA4 protein (p.Leu325Val). This variant is present in population databases (rs775993607, gnomAD 0.008%). This variant has not been reported in the literature in individuals affected with GATA4-related conditions. ClinVar contains an entry for this variant (Variation ID: 1447132). Advanced modeling of protein sequence and biophysical properties (such as structural, functional, and spatial information, amino acid conservation, physicochemical variation, residue mobility, and thermodynamic stability) performed at Invitae indicates that this missense variant is not expected to disrupt GATA4 protein function with a negative predictive value of 80%. In summary, the available evidence is currently insufficient to determine the role of this variant in disease. Therefore, it has been classified as a Variant of Uncertain Significance.